The following is an entry in ClinVar:

ClinVar aggregate classification (germline): Benign/Likely benign. Review status: criteria provided, multiple submitters, no conflicts (2 of 4 stars). 3 submissions from 3 submitters: Benign (1); Likely benign (2). Last evaluated 2025-12-18.

Conditions:
Hereditary cancer-predisposing syndrome. Also called: Neoplastic Syndromes, Hereditary; Tumor predisposition; Hereditary neoplastic syndrome; Hereditary Cancer Syndrome. Identifiers: Orphanet 140162, MedGen C0027672, MeSH D009386, MONDO:0015356.
BAP1-related tumor predisposition syndrome (TPDS1). Also called: Tumor susceptibility linked to germline BAP1 mutations; BAP1 tumor predisposition syndrome; TUMOR PREDISPOSITION SYNDROME 1; COMMON Syndrome. Identifiers: Orphanet 289539, MedGen C3280492, MONDO:0013692, OMIM 614327.

Allele frequency attached by ClinVar (database versions not stated): gnomAD exomes 0.00001 and 0.00003; ExAC 0.00002; ESP Exome Variant Server 0.00008.
gnomAD v4.1: 8 of 1,606,300 alleles (0.0005%); highest among the groups gnomAD compares: South Asian, 0.0034%; no homozygotes.

Submissions (3):

Labcorp Genetics (formerly Invitae), Labcorp
Classification: Likely benign for BAP1-related tumor predisposition syndrome. Last evaluated: 2025-12-18. Review status: criteria provided, single submitter. Criteria: Invitae Variant Classification Sherloc (09022015). Collection method: clinical testing. Allele origin: germline.

Myriad Genetics, Inc.
Classification: Benign for BAP1-related tumor predisposition syndrome. Last evaluated: 2024-07-11. Review status: criteria provided, single submitter. Criteria: Myriad Autosomal Dominant, Autosomal Recessive and X-Linked Classification Criteria (2023). Collection method: clinical testing. Allele origin: unknown.
Comment: This variant is considered benign. This variant is intronic and is not expected to impact mRNA splicing. This variant has been observed at a population frequency that is significantly greater than expected given the associated disease prevalence and penetrance.

Color Diagnostics, LLC DBA Color Health
Classification: Likely benign for Hereditary cancer-predisposing syndrome. Last evaluated: 2018-07-16. Review status: criteria provided, single submitter. Criteria: ACMG Guidelines, 2015. Collection method: clinical testing. Allele origin: germline.

NM_004656.4(BAP1):c.123-17C>T

Gene: BAP1 (BRCA1 associated deubiquitinase 1; minus strand). Cytogenetic location: 3p21.1.
Variant type: single nucleotide variant.
Coding change: c.123-17C>T on transcript NM_004656.4 (MANE Select); 17 bases into the intron before coding-DNA position 123, C replaced by T.
Molecular consequence: intron variant.
Genome position (GRCh38, 1-based): chr3:52,408,623, G>A on the plus strand (C>T on the coding strand, the complement: BAP1 is on the minus strand). VCF-style: chr3-52408623-G-A. GRCh37 (hg19) VCF-style: chr3-52442639-G-A.
Identifiers: ClinVar variation 629914 (VCV000629914.6), dbSNP rs372265065, ClinGen allele CA2437172.
Genomic context (GRCh38, chr3:52,408,623, plus strand): 5'-GCTCTTCGATCCATTTGAACAGGAAGATAAATCCATATACAGGGCTGGGGGAAGTAAGGG[G>A]CAGAGCCAGATCAGCCAAAGGGGAGAAGACAATCAGCATTCCCTTCTTTCTCCCATTAAT-3'